The following is an entry in ClinVar:

NM_001130438.3(SPTAN1):c.3437G>A (p.Arg1146Gln)

Gene: SPTAN1 (spectrin alpha, non-erythrocytic 1; plus strand). Cytogenetic location: 9q34.11.
Variant type: single nucleotide variant.
Coding change: c.3437G>A on transcript NM_001130438.3 (MANE Select); coding-DNA position 3437, G replaced by A.
Protein change: p.Arg1146Gln; replaces arginine 1146 with glutamine.
Molecular consequence: missense variant.
Genome position (GRCh38, 1-based): chr9:128,598,422, G>A. VCF-style: chr9-128598422-G-A. GRCh37 (hg19) VCF-style: chr9-131360701-G-A.
Other names: c.3377G>A, p.Arg1126Gln (NM_001195532.2, NM_001363765.2, NM_001375314.2); c.3437G>A, p.Arg1146Gln (NM_001363759.2, NM_001375310.1, NM_001375311.2 and 2 more transcripts); c.3473G>A, p.Arg1158Gln (NM_001375312.2, NM_001375318.1); short protein forms R1126Q, R1146Q, R1158Q.
Identifiers: ClinVar variation 854841 (VCV000854841.11), dbSNP rs1854606025, ClinGen allele CA375062262.
Genomic context (GRCh38, chr9:128,598,422, plus strand): 5'-TATTTTGGGTTTTAGTTATTATGGCTTTTGCTTTAAAGGACCTGAAGGCCAATGAGTCAC[G>A]GTTGAAGGACATTAACAAGGTAGCTGAAGACCTGGAGTCTGAAGGTCTCATGGCAGAGGA-3'
Protein context (NP_001123910.1, residues 1136-1156): FQKDLKANES[Arg1146Gln]LKDINKVAED

ClinVar aggregate classification (germline): Uncertain significance. Review status: criteria provided, multiple submitters, no conflicts (2 of 4 stars). 2 submissions from 2 submitters: Uncertain significance (2). Last evaluated 2025-06-25.

Conditions:
Early-infantile DEE. Also called: Ohtahara syndrome; Early infantile epileptic encephalopathy with suppression bursts; Early infantile epileptic encephalopathy. Identifiers: Orphanet 1934, MedGen C0393706, MONDO:0800491.

Allele frequency attached by ClinVar (database versions not stated): gnomAD exomes below 0.00001; TOPMed below 0.00001.
gnomAD v4.1: 4 of 1,613,202 alleles (0.00025%); highest among the groups gnomAD compares: Admixed American, 0.0017%; no homozygotes.

Submissions (2):

GeneDx
Classification: Uncertain significance. Last evaluated: 2025-06-25. Review status: criteria provided, single submitter. Criteria: GeneDx Variant Classification Process June 2021. Collection method: clinical testing. Allele origin: germline. Affected: yes.
Comment: Not observed at significant frequency in large population cohorts (gnomAD); In silico analysis supports that this missense variant has a deleterious effect on protein structure/function; Has not been previously published as pathogenic or benign to our knowledge

Labcorp Genetics (formerly Invitae), Labcorp
Classification: Uncertain significance for Early-infantile DEE. Last evaluated: 2022-07-05. Review status: criteria provided, single submitter. Criteria: Invitae Variant Classification Sherloc (09022015). Collection method: clinical testing. Allele origin: germline.
Comment: In summary, the available evidence is currently insufficient to determine the role of this variant in disease. Therefore, it has been classified as a Variant of Uncertain Significance. Algorithms developed to predict the effect of missense changes on protein structure and function (SIFT, PolyPhen-2, Align-GVGD) all suggest that this variant is likely to be disruptive. ClinVar contains an entry for this variant (Variation ID: 854841). This variant has not been reported in the literature in individuals affected with SPTAN1-related conditions. This variant is not present in population databases (gnomAD no frequency). This sequence change replaces arginine, which is basic and polar, with glutamine, which is neutral and polar, at codon 1146 of the SPTAN1 protein (p.Arg1146Gln).